The following is an entry in ClinVar:

NM_003126.4(SPTA1):c.3940T>C (p.Ser1314Pro)

Gene: SPTA1 (spectrin alpha, erythrocytic 1; minus strand). Cytogenetic location: 1q23.1.
Variant type: single nucleotide variant.
Coding change: c.3940T>C on transcript NM_003126.4 (MANE Select); coding-DNA position 3940, T replaced by C.
Protein change: p.Ser1314Pro; replaces serine 1314 with proline.
Molecular consequence: missense variant.
Genome position (GRCh38, 1-based): chr1:158,645,551, A>G on the plus strand (T>C on the coding strand, the complement: SPTA1 is on the minus strand). VCF-style: chr1-158645551-A-G. GRCh37 (hg19) VCF-style: chr1-158615341-A-G.
Other names: short protein forms S1314P.
Identifiers: ClinVar variation 292988 (VCV000292988.17), dbSNP rs200308788, ClinGen allele CA1182881.
Genomic context (GRCh38, chr1:158,645,551, plus strand): 5'-TTACCTGATGTCTCTCCAGCAAGATCTCTATGCCAGTTAAGTCTTCGGCCAGCTCCTGTG[A>G]TGATACCATGCCACCAATGCTACTGATCCAGTTCTGCAGATCCCTAGATAAACAGACACA-3'
Protein context (NP_003117.2, residues 1304-1324): WISSIGGMVS[Ser1314Pro]QELAEDLTGI

ClinVar aggregate classification (germline): Conflicting classifications of pathogenicity. Review status: criteria provided, conflicting classifications (1 of 4 stars). 7 submissions from 5 submitters: Uncertain significance (6); Likely benign (1). Last evaluated 2025-09-23.

Conditions:
Elliptocytosis 2 (EL2). Also called: ELLIPTOCYTOSIS, RHESUS-UNLINKED TYPE. Identifiers: Orphanet 288, MedGen C1851741, MONDO:0007533, OMIM 130600.
Pyropoikilocytosis, hereditary. Also called: Pyropoikilocytosis. Identifiers: MedGen C0520739, MONDO:0009948, OMIM 266140, HP:0004839. Disease mechanism: loss of function.
Hereditary spherocytosis type 3. Also called: Spherocytosis type 3; SPTA1-Related Spherocytosis. Identifiers: Orphanet 822, MedGen C2678338, MONDO:0010053, OMIM 270970.
SPTA1-related disorder. Also called: SPTA1-related condition; SPTA1-related disorders.

Allele frequency attached by ClinVar (database versions not stated): gnomAD 0.00010; TOPMed 0.00019; ESP Exome Variant Server 0.00040; 1000 Genomes Project 30x 0.00047; 1000 Genomes Project 0.00060.
gnomAD v4.1: 308 of 1,614,028 alleles (0.019%); highest among the groups gnomAD compares: Non-Finnish European, 0.024%; no homozygotes.

Submissions (7):

Labcorp Genetics (formerly Invitae), Labcorp
Classification: Likely benign. Last evaluated: 2025-09-23. Review status: criteria provided, single submitter. Criteria: Invitae Variant Classification Sherloc (09022015). Collection method: clinical testing. Allele origin: germline.

PreventionGenetics, part of Exact Sciences
Classification: Uncertain significance for SPTA1-related condition. Last evaluated: 2025-01-03. Review status: criteria provided, single submitter. Criteria: ACMG Guidelines, 2015. Collection method: clinical testing. Allele origin: germline.
Comment: The SPTA1 c.3940T>C variant is predicted to result in the amino acid substitution p.Ser1314Pro. This variant has been reported in one individual with suspected hereditary spherocytosis, who also carried several other variants in this gene (Glenthøj et al. 2021. PubMed ID: 35845192). This variant is reported in 0.025% of alleles in individuals of European (Non-Finnish) descent in gnomAD. At this time, the clinical significance of this variant is uncertain due to the absence of conclusive functional and genetic evidence.

Revvity Omics, Revvity
Classification: Uncertain significance. Last evaluated: 2024-05-31. Review status: criteria provided, single submitter. Criteria: ACMG Guidelines, 2015. Collection method: clinical testing. Allele origin: germline.

Illumina Laboratory Services, Illumina
Classification: Uncertain significance for Hereditary spherocytosis type 3. Last evaluated: 2018-01-13. Review status: criteria provided, single submitter. Criteria: ICSL Variant Classification Criteria 13 December 2019. Collection method: clinical testing. Allele origin: germline.

Illumina Laboratory Services, Illumina
Classification: Uncertain significance for Elliptocytosis 2. Last evaluated: 2018-01-13. Review status: criteria provided, single submitter. Criteria: ICSL Variant Classification Criteria 13 December 2019. Collection method: clinical testing. Allele origin: germline.

Illumina Laboratory Services, Illumina
Classification: Uncertain significance for Pyropoikilocytosis, hereditary. Last evaluated: 2018-01-13. Review status: criteria provided, single submitter. Criteria: ICSL Variant Classification Criteria 13 December 2019. Collection method: clinical testing. Allele origin: germline.

Breakthrough Genomics
Classification: Uncertain significance. Review status: criteria provided, single submitter. Criteria: ACMG Guidelines, 2015. Collection method: not provided. Allele origin: germline. Inheritance: Autosomal recessive inheritance. Affected: yes.